The following is an entry in ClinVar:

ClinVar aggregate classification (germline): Likely pathogenic (1 of 4 stars; one submission).

Submission:

Labcorp Genetics (formerly Invitae), Labcorp
Classification: Likely pathogenic. Last evaluated: 2023-10-04. Review status: criteria provided, single submitter. Criteria: Invitae Variant Classification Sherloc (09022015). Collection method: clinical testing. Allele origin: unknown.
Comment: This variant results in a copy number gain of the genomic region encompassing exon(s) 3-9 of the GALNT3 gene. While the exact position of this variant cannot be determined from the data, sub-genic copy number gains are generally in tandem (PMID: 25640679). This variant is predicted to be out-of-frame, and may result in an absent or disrupted protein product. Loss-of-function variants in GALNT3 are known to be pathogenic (PMID: 15133511, 20358599). This variant has not been reported in the literature in individuals affected with GALNT3-related conditions. In summary, the currently available evidence indicates that the variant is pathogenic, but additional data are needed to prove that conclusively. Therefore, this variant has been classified as Likely Pathogenic.

Literature cited by the submitters: PubMed 25640679; PubMed 15133511; PubMed 20358599.

NC_000002.11:g.(?_166611117)_(166621586_?)dup

Gene: GALNT3 (polypeptide N-acetylgalactosaminyltransferase 3; minus strand). Cytogenetic location: 2q24.3.
Variant type: Duplication.
Identifiers: ClinVar variation 3247527 (VCV003247527.1).